The following is an entry in ClinVar:

NM_001367624.2(ZNF469):c.1372G>A (p.Ala458Thr)

Gene: ZNF469 (zinc finger protein 469; plus strand). Cytogenetic location: 16q24.2.
Variant type: single nucleotide variant.
Coding change: c.1372G>A on transcript NM_001367624.2 (MANE Select); coding-DNA position 1372, G replaced by A.
Protein change: p.Ala458Thr; replaces alanine 458 with threonine.
Molecular consequence: missense variant.
Genome position (GRCh38, 1-based): chr16:88,428,842, G>A. VCF-style: chr16-88428842-G-A. GRCh37 (hg19) VCF-style: chr16-88495250-G-A.
Other names: short protein forms A458T.
Identifiers: ClinVar variation 1955685 (VCV001955685.5), dbSNP rs1272601096, ClinGen allele CA397066374.

ClinVar aggregate classification (germline): Uncertain significance (1 of 4 stars; one submission).

gnomAD v4.1: 5 of 1,548,204 alleles (0.00032%); highest among the groups gnomAD compares: Admixed American, 0.002%; no homozygotes.

Submission:

Labcorp Genetics (formerly Invitae), Labcorp
Classification: Uncertain significance. Last evaluated: 2022-08-03. Review status: criteria provided, single submitter. Criteria: Invitae Variant Classification Sherloc (09022015). Collection method: clinical testing. Allele origin: germline.
Comment: In summary, the available evidence is currently insufficient to determine the role of this variant in disease. Therefore, it has been classified as a Variant of Uncertain Significance. Algorithms developed to predict the effect of missense changes on protein structure and function output the following: SIFT: "Tolerated"; PolyPhen-2: "Benign"; Align-GVGD: "Class C0". The threonine amino acid residue is found in multiple mammalian species, which suggests that this missense change does not adversely affect protein function. This variant has not been reported in the literature in individuals affected with ZNF469-related conditions. The frequency data for this variant in the population databases is considered unreliable, as metrics indicate poor data quality at this position in the gnomAD database. This sequence change replaces alanine, which is neutral and non-polar, with threonine, which is neutral and polar, at codon 458 of the ZNF469 protein (p.Ala458Thr).